The following is an entry in ClinVar:

ClinVar aggregate classification (germline): Uncertain significance. Review status: criteria provided, multiple submitters, no conflicts (2 of 4 stars). 6 submissions from 6 submitters: Uncertain significance (6). Last evaluated 2024-08-06.

Conditions:
King Denborough syndrome (KDS). Identifiers: MedGen C1840365, MONDO:0020485, OMIM 619542.
Congenital myopathy with fiber type disproportion. Also called: Congenital fiber-type disproportion myopathy; Congenital fiber-type disproportion. Identifiers: Orphanet 2020, MedGen C0546264, MONDO:0009711. Inheritance: all.
Malignant hyperthermia, susceptibility to, 1 (MHS1). Also called: RYR1-Related Malignant Hyperthermia Susceptibility; Malignant hyperthermia suceptibility 1; Anesthesia related hyperthermia; Malignant hyperpyrexia; Fulminating hyperpyrexia; Pharmacogenic myopathy. Identifiers: Orphanet 423, MedGen C2930980, MONDO:0007783, OMIM 145600.
Central core myopathy (CMYO1A). Also called: Central core disease; Myopathy, central fibrillar; CONGENITAL MYOPATHY 1A, AUTOSOMAL DOMINANT, WITH SUSCEPTIBILITY TO MALIGNANT HYPERTHERMIA. Identifiers: Orphanet 597, MedGen C5830701, MONDO:0007294, OMIM 117000.
Congenital multicore myopathy with external ophthalmoplegia (CMYO1B). Also called: MULTICORE MYOPATHY; Minicore myopathy with external ophthalmoplegia; Congenital myopathy 1B, autosomal recessive; Minicore myopathy; MULTIMINICORE DISEASE WITH EXTERNAL OPHTHALMOPLEGIA. Identifiers: Orphanet 598, Orphanet 98905, MedGen C1850674, MONDO:0009712, OMIM 255320, HP:0003789.
RYR1-related disorder. Also called: RYR1-related condition; RYR1-related disorders. Identifiers: MedGen CN239331.

Submissions (6):

All of Us Research Program, National Institutes of Health
Classification: Uncertain significance for Malignant hyperthermia, susceptibility to, 1. Last evaluated: 2024-08-06. Review status: criteria provided, single submitter. Criteria: ACMG Guidelines, 2015. Collection method: clinical testing. Allele origin: germline. Inheritance: Autosomal dominant inheritance. Observed: 2 variant alleles, 2 heterozygotes.
Comment: This study involves interpretation of variants in research participants for the purpose of population health screening. Participant phenotype was not available at the time of variant classification. Additional details can be found in publication PMID: 35346344, PMCID: PMC8962531

Labcorp Genetics (formerly Invitae), Labcorp
Classification: Uncertain significance for RYR1-related disorder. Last evaluated: 2023-10-29. Review status: criteria provided, single submitter. Criteria: Invitae Variant Classification Sherloc (09022015). Collection method: clinical testing. Allele origin: germline.
Comment: This sequence change replaces arginine, which is basic and polar, with cysteine, which is neutral and slightly polar, at codon 492 of the RYR1 protein (p.Arg492Cys). This variant is not present in population databases (gnomAD no frequency). This variant has not been reported in the literature in individuals affected with RYR1-related conditions. ClinVar contains an entry for this variant (Variation ID: 224366). Advanced modeling of protein sequence and biophysical properties (such as structural, functional, and spatial information, amino acid conservation, physicochemical variation, residue mobility, and thermodynamic stability) performed at Invitae indicates that this missense variant is expected to disrupt RYR1 protein function with a positive predictive value of 95%. In summary, the available evidence is currently insufficient to determine the role of this variant in disease. Therefore, it has been classified as a Variant of Uncertain Significance.

CeGaT Center for Human Genetics Tuebingen
Classification: Uncertain significance. Last evaluated: 2022-06-01. Review status: criteria provided, single submitter. Criteria: CeGaT Center For Human Genetics Tuebingen Variant Classification Criteria Version 2. Collection method: clinical testing. Allele origin: germline. Affected: yes. Observed: 1 variant allele.
Comment: RYR1: PM2, PP3

Revvity Omics, Revvity
Classification: Uncertain significance. Last evaluated: 2022-05-06. Review status: criteria provided, single submitter. Criteria: ACMG Guidelines, 2015. Collection method: clinical testing. Allele origin: germline.

Fulgent Genetics
Classification: Uncertain significance for Central core myopathy; Malignant hyperthermia, susceptibility to, 1; Congenital myopathy 4A, autosomal dominant; Congenital multicore myopathy with external ophthalmoplegia; King Denborough syndrome. Last evaluated: 2021-09-22. Review status: criteria provided, single submitter. Criteria: ACMG Guidelines, 2015. Collection method: clinical testing. Allele origin: unknown.

Biesecker Lab/Clinical Genomics Section, National Institutes of Health
Classification: Uncertain significance for Malignant hyperthermia, susceptibility to, 1. Last evaluated: 2013-07-01. Review status: criteria provided, single submitter. Criteria: Gonsalves et al. 2013. Collection method: research. Allele origin: unknown. Observed: 1 variant allele. Study: ClinSeq.
Comment: The study set was not selected for affection status in relation to any myopathy. Pathogenicity categories were based on literature curation. See Pubmed ID: 24195946 for details.

NM_000540.3(RYR1):c.1474C>T (p.Arg492Cys)

Genes: RYR1 (ryanodine receptor 1; plus strand), LOC129391106 (MPRA-validated peak3472 silencer; plus strand). Cytogenetic location: 19q13.2.
Variant type: single nucleotide variant.
Coding change: c.1474C>T on transcript NM_000540.3 (MANE Select); coding-DNA position 1474, C replaced by T.
Protein change: p.Arg492Cys; replaces arginine 492 with cysteine.
Molecular consequence: missense variant.
Genome position (GRCh38, 1-based): chr19:38,455,268, C>T. VCF-style: chr19-38455268-C-T. GRCh37 (hg19) VCF-style: chr19-38945908-C-T.
Other names: c.1474C>T, p.Arg492Cys (NM_001042723.2); short protein forms R492C.
Identifiers: ClinVar variation 224366 (VCV000224366.36), dbSNP rs199826952, ClinGen allele CA212151.
Genomic context (GRCh38, chr19:38,455,268, plus strand): 5'-TGATGCCTCTTATTTTCCTCATCCTAGGGGATGCTCTCCATGGTCCTGAATTGCATAGAC[C>T]GCCTAAATGTCTACACCACTGCTGCCCACTTTGCTGAGTTTGCAGGGGAGGAGGCAGCCG-3'
Protein context (NP_000531.2, residues 482-502): MLSMVLNCID[Arg492Cys]LNVYTTAAHF